The following is an entry in ClinVar:

ClinVar aggregate classification (germline): Uncertain significance (1 of 4 stars; one submission).

Submission:

Laboratory for Molecular Medicine, Mass General Brigham Personalized Medicine
Classification: Uncertain significance. Last evaluated: 2013-10-30. Review status: criteria provided, single submitter. Criteria: LMM Criteria. Collection method: clinical testing. Allele origin: germline. Inheritance: Autosomal dominant inheritance. Observed: 1 variant allele.
Comment: Variant classified as Uncertain Significance - Favor Pathogenic. The Lys502_Gly5 05del variant in MYH7 has not been previously reported in individuals with cardi omyopathy or in large population studies. This variant causes an in-frame deleti on of four highly conserved amino acids (LysLysGluGly) beginning at position 502 . Other in-frame deletions of the myosin head have been reported in individuals with LVNC and HCM (Klaassen 2008, Waldmuller 2011, LMM unpublished data). Altho ugh this data supports that the Lys502_Gly505del variant may be pathogenic, addi tional studies are needed to fully assess its clinical significance.

NM_000257.4(MYH7):c.1505_1516del (p.Lys502_Gly505del)

Gene: MYH7 (myosin heavy chain 7; minus strand). Cytogenetic location: 14q11.2.
Variant type: Deletion.
Coding change: c.1505_1516del on transcript NM_000257.4 (MANE Select); coding-DNA positions 1505 to 1516, 12 bases deleted (AGAAGGAGGGCA).
Protein change: p.Lys502_Gly505del.
Genome position (GRCh38, 1-based): chr14:23,428,562-23,428,573, TGCCCTCCTTCT deleted on the plus strand (AGAAGGAGGGCA on the coding strand, the reverse complement: MYH7 is on the minus strand); deleting any 12 consecutive bases within chr14:23,428,562-23,428,575 gives the same sequence; the c. name uses the placement nearest the transcript's 3' end. VCF-style (leftmost placement, unchanged base first): chr14-23428561-ATGCCCTCCTTCT-A. GRCh37 (hg19) VCF-style: chr14-23897770-ATGCCCTCCTTCT-A.
Identifiers: ClinVar variation 179379 (VCV000179379.4), dbSNP rs727504828, ClinGen allele CA010867.